The following is an entry in ClinVar:

ClinVar aggregate classification (germline): Pathogenic/Likely pathogenic. Review status: criteria provided, multiple submitters, no conflicts (2 of 4 stars). 9 submissions from 9 submitters: Pathogenic (8); Likely pathogenic (1). Last evaluated 2025-11-15.

Conditions:
ISPD-related disorder.
Autosomal recessive limb-girdle muscular dystrophy type 2U. Also called: Muscular dystrophy-dystroglycanopathy (limb-girdle), type c, 7; MUSCULAR DYSTROPHY, LIMB-GIRDLE, TYPE 2U. Identifiers: Orphanet 352479, MedGen C5190987, MONDO:0014474, OMIM 616052.
Muscular dystrophy-dystroglycanopathy (congenital with brain and eye anomalies), type A, 7. Also called: WALKER-WARBURG SYNDROME OR MUSCLE-EYE-BRAIN DISEASE, ISPD-RELATED; Congenital muscular dystrophy-dystroglycanopathy with brain and eye anomalies, type A7. Identifiers: Orphanet 899, MedGen C3553330, MONDO:0013835, OMIM 614643.
Skeletal myopathy. Also called: Skeletal muscle disease; Skeletal muscle disorder. Identifiers: Orphanet 98472, MedGen C1533847, MONDO:0020120, HP:0003756.

Allele frequency attached by ClinVar (database versions not stated): gnomAD 0.00012 and 0.00013; TOPMed 0.00009; gnomAD exomes 0.00011.

Submissions (9):

Labcorp Genetics (formerly Invitae), Labcorp
Classification: Pathogenic for Muscular dystrophy-dystroglycanopathy (congenital with brain and eye anomalies), type A, 7; Autosomal recessive limb-girdle muscular dystrophy type 2U. Last evaluated: 2025-11-15. Review status: criteria provided, single submitter. Criteria: Invitae Variant Classification Sherloc (09022015). Collection method: clinical testing. Allele origin: germline.
Comment: This sequence change creates a premature translational stop signal (p.Ser19Glufs*97) in the ISPD gene. It is expected to result in an absent or disrupted protein product. Loss-of-function variants in ISPD are known to be pathogenic (PMID: 23288328). This variant is present in population databases (no rsID available, gnomAD 0.006%). This premature translational stop signal has been observed in individuals with Walker-Warburg syndrome or autosomal recessive limb girdle muscular dystrophy with intellectual disability (PMID: 2328832, 22522421). ClinVar contains an entry for this variant (Variation ID: 279985). For these reasons, this variant has been classified as Pathogenic.

GeneDx
Classification: Pathogenic. Last evaluated: 2024-10-04. Review status: criteria provided, single submitter. Criteria: GeneDx Variant Classification Process June 2021. Collection method: clinical testing. Allele origin: germline. Affected: yes.
Comment: Frameshift variant predicted to result in protein truncation or nonsense mediated decay in a gene for which loss of function is a known mechanism of disease; Not observed at a significant frequency in large population cohorts (gnomAD); This variant is associated with the following publications: (PMID: 23288328, 22522421, 31980526)

Genetic Services Laboratory, University of Chicago
Classification: Pathogenic. Last evaluated: 2024-09-17. Review status: criteria provided, single submitter. Criteria: ACMG Guidelines, 2015. Collection method: clinical testing. Allele origin: germline. Affected: yes.
Comment: DNA sequence analysis of the CRPPA gene demonstrated a single base pair deletion in exon 1, c.53dup. This sequence change results in an amino acid frameshift and creates a premature stop codon 96 amino acids downstream of the change, p.Ser19Glufs*97. This sequence change is predicted to result in an abnormal transcript, which may be degraded, or may lead to the production of a truncated CRPPA protein with potentially abnormal function. This sequence change has been described in the gnomAD database with a frequency of 0.01% in the global population (dbSNP rs886041302). This pathogenic sequence change has previously been described in the compound heterozygous state with other pathogenic variants in individuals with CRPPA-related disorders (PMID: 22522421, 23288328). These collective evidences indicate that this sequence change is pathogenic, however functional studies have not been performed to prove this conclusively.

Blueprint Genetics
Classification: Pathogenic for ISPD-related disorders. Last evaluated: 2023-07-28. Review status: criteria provided, single submitter. Criteria: ACMG Guidelines, 2015. Collection method: clinical testing. Allele origin: germline. Affected: yes. Observed: 4 variant alleles.

Revvity Omics, Revvity
Classification: Pathogenic. Last evaluated: 2022-08-26. Review status: criteria provided, single submitter. Criteria: ACMG Guidelines, 2015. Collection method: clinical testing. Allele origin: germline.

Athena Diagnostics
Classification: Likely pathogenic. Last evaluated: 2021-09-21. Review status: criteria provided, single submitter. Criteria: Athena Diagnostics Criteria. Collection method: clinical testing. Allele origin: unknown.
Comment: This variant is expected to result in the loss of a functional protein. The frequency of this variant in the general population is consistent with pathogenicity.

AURAGEN, Plan France Médecine Génomique
Classification: Pathogenic for Skeletal myopathy. Last evaluated: 2021-08-26. Review status: criteria provided, single submitter. Criteria: PFMG2025 (Lancet Reg Health Eur. 2025). Collection method: clinical testing. Allele origin: germline. Affected: yes.

Ambry Genetics
Classification: Pathogenic. Last evaluated: 2021-04-08. Review status: criteria provided, single submitter. Criteria: Ambry Variant Classification Scheme 2023. Collection method: clinical testing. Allele origin: germline.
Comment: The c.53dupT (p.S19Efs*97) alteration, located in exon 1 (coding exon 1) of the ISPD gene, consists of a duplication of T at position 53, causing a translational frameshift with a predicted alternate stop codon after 97 amino acids. This alteration is expected to result in loss of function by premature protein truncation or nonsense-mediated mRNA decay. Based on the available evidence, this alteration is classified as pathogenic.

Eurofins Ntd Llc (ga)
Classification: Pathogenic. Last evaluated: 2018-06-25. Review status: criteria provided, single submitter. Criteria: EGL ClinVar v180209 classification definitions. Collection method: clinical testing. Allele origin: germline. Observed: 1 variant allele, 1 heterozygote.

Literature cited by the submitters: PubMed 23288328 (cited by 3 submitters); PubMed 2328832 (cited by Labcorp Genetics (formerly Invitae), Labcorp); PubMed 22522421 (cited by 3 submitters).

NM_001101426.4(CRPPA):c.53dup (p.Ser19Glufs)

Genes: CRPPA (CDP-L-ribitol pyrophosphorylase A; minus strand), LOC129998005 (ATAC-STARR-seq lymphoblastoid silent region 17982; plus strand). Cytogenetic location: 7p21.2.
Variant type: Duplication.
Coding change: c.53dup on transcript NM_001101426.4 (MANE Select); coding-DNA position 53, one base duplicated (T; older notation c.53dupT).
Protein change: p.Ser19Glufs; shifts the reading frame from serine 19.
Molecular consequence: frameshift variant. On other transcripts: non-coding transcript variant (1).
Genome position (GRCh38, 1-based): chr7:16,421,270, A duplicated on the plus strand (T on the coding strand, the reverse complement: CRPPA is on the minus strand). VCF-style (leftmost placement, unchanged base first): chr7-16421269-C-CA. GRCh37 (hg19) VCF-style: chr7-16460894-C-CA.
Other names: c.53dup (NM_001101426.3); c.53dup, p.Ser19fs (NM_001101417.4, NM_001368197.1); c.53dupT (NM_001101426.3); short protein forms S19fs.
Identifiers: ClinVar variation 279985 (VCV000279985.26), dbSNP rs886041302, ClinGen allele CA10603023.